The following is an entry in ClinVar:

ClinVar aggregate classification (germline): Uncertain significance (1 of 4 stars; one submission).

Conditions:
Familial hypercholesterolemia. Also called: Familial hypercholesterolaemia. Identifiers: MedGen C0020445, MONDO:0005439.

Submission:

Color Diagnostics, LLC DBA Color Health
Classification: Uncertain significance for Familial hypercholesterolemia. Last evaluated: 2019-02-04. Review status: criteria provided, single submitter. Criteria: ACMG Guidelines, 2015. Collection method: clinical testing. Allele origin: germline.
Comment: Variant of Uncertain Significance due to insufficient evidence: This missense variant (also known as p.Ser45Asn in the mature protein) replaces serine with asparagine at codon 72 of the APOB protein. Computational prediction tools and conservation analyses are inconclusive regarding the impact of this variant on the protein function. Computational splicing tools suggest that this variant may not impact RNA splicing. To our knowledge, functional assays have not been performed for this variant nor has this variant been reported in individuals affected with familial hypercholesterolemia in the literature. This variant is rare in the general population and has been identified in 0/277264 chromosomes by the Genome Aggregation Database (gnomAD). Available evidence is insufficient to determine the role of this variant in disease conclusively.

NM_000384.3(APOB):c.215G>A (p.Ser72Asn)

Genes: APOB (apolipoprotein B; minus strand), LOC106560211 (APOB 5' regulatory region; plus strand). Cytogenetic location: 2p24.1.
Variant type: single nucleotide variant.
Coding change: c.215G>A on transcript NM_000384.3 (MANE Select); coding-DNA position 215, G replaced by A.
Protein change: p.Ser72Asn; replaces serine 72 with asparagine.
Molecular consequence: missense variant.
Genome position (GRCh38, 1-based): chr2:21,042,383, C>T on the plus strand (G>A on the coding strand, the complement: APOB is on the minus strand). VCF-style: chr2-21042383-C-T. GRCh37 (hg19) VCF-style: chr2-21265255-C-T.
Other names: short protein forms S72N.
Identifiers: ClinVar variation 919669 (VCV000919669.3), dbSNP rs759881866, ClinGen allele CA345965013.
Genomic context (GRCh38, chr2:21,042,383, plus strand): 5'-TGTGGGCTCTAGGTCCCTCCTGCCTGCATCCTCCATACCTTGCAGTTGATCCTGGTGGCA[C>T]TTCTTGAATCAGCAGTCCCAGGGACTCCACTGGAACTCTCAGCCTCATAGTTGTATGTGT-3'
Protein context (NP_000375.3, residues 62-82): SGVPGTADSR[Ser72Asn]ATRINCKVEL